The following is an entry in ClinVar:

NM_005862.3(STAG1):c.1717A>G (p.Ile573Val)

Gene: STAG1 (STAG1 cohesin complex component; minus strand). Cytogenetic location: 3q22.3.
Variant type: single nucleotide variant.
Coding change: c.1717A>G on transcript NM_005862.3 (MANE Select); coding-DNA position 1717, A replaced by G.
Protein change: p.Ile573Val; replaces isoleucine 573 with valine.
Molecular consequence: missense variant.
Genome position (GRCh38, 1-based): chr3:136,422,978, T>C on the plus strand (A>G on the coding strand, the complement: STAG1 is on the minus strand). VCF-style: chr3-136422978-T-C. GRCh37 (hg19) VCF-style: chr3-136141820-T-C.
Other names: short protein forms I573V.
Identifiers: ClinVar variation 2635800 (VCV002635800.1), dbSNP rs1363101256, ClinGen allele CA354645114.

ClinVar aggregate classification (germline): Uncertain significance (1 of 4 stars; one submission).

Conditions:
STAG1-related disorder. Also called: STAG1-related disorders.

Allele frequency attached by ClinVar (database versions not stated): gnomAD exomes 0.00001.
gnomAD v4.1: 4 of 1,608,092 alleles (0.00025%); highest among the groups gnomAD compares: East Asian, 0.0022%; no homozygotes.

Submission:

PreventionGenetics, part of Exact Sciences
Classification: Uncertain significance for STAG1-related condition. Last evaluated: 2022-11-10. Review status: criteria provided, single submitter. Criteria: ACMG Guidelines, 2015. Collection method: clinical testing. Allele origin: germline.
Comment: The STAG1 c.1717A>G variant is predicted to result in the amino acid substitution p.Ile573Val. To our knowledge, this variant has not been reported in the literature. This variant is reported in 0.0046% of alleles in individuals of European (Finnish) descent in gnomAD. At this time, the clinical significance of this variant is uncertain due to the absence of conclusive functional and genetic evidence.